The following is an entry in ClinVar:

ClinVar aggregate classification (germline): Uncertain significance (1 of 4 stars; one submission).

Submission:

Labcorp Genetics (formerly Invitae), Labcorp
Classification: Uncertain significance. Last evaluated: 2023-04-24. Review status: criteria provided, single submitter. Criteria: Invitae Variant Classification Sherloc (09022015). Collection method: clinical testing. Allele origin: germline.
Comment: This variant is not present in population databases (gnomAD no frequency). In summary, the available evidence is currently insufficient to determine the role of this variant in disease. Therefore, it has been classified as a Variant of Uncertain Significance. Advanced modeling of protein sequence and biophysical properties (such as structural, functional, and spatial information, amino acid conservation, physicochemical variation, residue mobility, and thermodynamic stability) performed at Invitae indicates that this missense variant is not expected to disrupt PDZD7 protein function. ClinVar contains an entry for this variant (Variation ID: 1015615). This variant has not been reported in the literature in individuals affected with PDZD7-related conditions. This sequence change replaces serine, which is neutral and polar, with proline, which is neutral and non-polar, at codon 541 of the PDZD7 protein (p.Ser541Pro).

NM_001195263.2(PDZD7):c.1621T>C (p.Ser541Pro)

Gene: PDZD7 (PDZ domain containing 7; minus strand). Cytogenetic location: 10q24.31.
Variant type: single nucleotide variant.
Coding change: c.1621T>C on transcript NM_001195263.2 (MANE Select); coding-DNA position 1621, T replaced by C.
Protein change: p.Ser541Pro; replaces serine 541 with proline.
Molecular consequence: missense variant.
Genome position (GRCh38, 1-based): chr10:101,015,764, A>G on the plus strand (T>C on the coding strand, the complement: PDZD7 is on the minus strand). VCF-style: chr10-101015764-A-G. GRCh37 (hg19) VCF-style: chr10-102775521-A-G.
Other names: short protein forms S541P.
Identifiers: ClinVar variation 1015615 (VCV001015615.8), dbSNP rs1852592444, ClinGen allele CA378227048.